The following is an entry in ClinVar:

ClinVar aggregate classification (germline): Pathogenic (1 of 4 stars; one submission).

Conditions:
Very long chain acyl-CoA dehydrogenase deficiency (ACADVLD). Also called: VLCAD Deficiency; Very Long-Chain Acyl-Coenzyme A Dehydrogenase Deficiency. Identifiers: Orphanet 26793, MedGen C3887523, MONDO:0008723, OMIM 201475.

Submission:

Labcorp Genetics (formerly Invitae), Labcorp
Classification: Pathogenic for Very long chain acyl-CoA dehydrogenase deficiency. Last evaluated: 2022-07-25. Review status: criteria provided, single submitter. Criteria: Invitae Variant Classification Sherloc (09022015). Collection method: clinical testing. Allele origin: germline.
Comment: This sequence change creates a premature translational stop signal (p.Glu107Glyfs*10) in the ACADVL gene. It is expected to result in an absent or disrupted protein product. Loss-of-function variants in ACADVL are known to be pathogenic (PMID: 9973285, 11590124). This variant is not present in population databases (gnomAD no frequency). This variant has not been reported in the literature in individuals affected with ACADVL-related conditions. For these reasons, this variant has been classified as Pathogenic.

Literature cited by the submitters: PubMed 9973285; PubMed 11590124.

NM_000018.4(ACADVL):c.320del (p.Glu107fs)

Gene: ACADVL (acyl-CoA dehydrogenase very long chain; plus strand). Cytogenetic location: 17p13.1.
Variant type: Deletion.
Coding change: c.320del on transcript NM_000018.4 (MANE Select); coding-DNA position 320, one base deleted (A; older notation c.320delA).
Protein change: p.Glu107fs; shifts the reading frame from glutamic acid 107.
Molecular consequence: frameshift variant.
Genome position (GRCh38, 1-based): chr17:7,220,808, A deleted. VCF-style (leftmost placement, unchanged base first): chr17-7220807-GA-G. GRCh37 (hg19) VCF-style: chr17-7124126-GA-G.
Other names: c.254del, p.Glu85fs (NM_001033859.3); c.389del, p.Glu130fs (NM_001270447.2); c.92del, p.Glu31fs (NM_001270448.2); short protein forms E107fs, E85fs, E31fs, E130fs.
Identifiers: ClinVar variation 1971234 (VCV001971234.5), dbSNP rs2508258187, ClinGen allele CA2580094776.